The following is an entry in ClinVar:

ClinVar aggregate classification (germline): Uncertain significance. Review status: criteria provided, multiple submitters, no conflicts (2 of 4 stars). 2 submissions from 2 submitters: Uncertain significance (2). Last evaluated 2023-03-29.

Conditions:
Inborn genetic diseases. Identifiers: MedGen C0950123, MeSH D030342.
SLC4A3-related disorder. Also called: SLC4A3-related condition.

Allele frequency attached by ClinVar (database versions not stated): gnomAD 0.00003.
gnomAD v4.1: 18 of 1,613,740 alleles (0.0011%); highest among the groups gnomAD compares: Admixed American, 0.0017%; no homozygotes.

Submissions (2):

PreventionGenetics, part of Exact Sciences
Classification: Uncertain significance for SLC4A3-related condition. Last evaluated: 2023-03-29. Review status: criteria provided, single submitter. Criteria: ACMG Guidelines, 2015. Collection method: clinical testing. Allele origin: germline.
Comment: The SLC4A3 c.2014G>A variant is predicted to result in the amino acid substitution p.Glu672Lys. To our knowledge, this variant has not been reported in the literature. This variant is reported in 0.0031% of alleles in individuals of European (Non-Finnish) descent in gnomAD. At this time, the clinical significance of this variant is uncertain due to the absence of conclusive functional and genetic evidence.

Ambry Genetics
Classification: Uncertain significance for Inborn genetic diseases. Last evaluated: 2021-07-20. Review status: criteria provided, single submitter. Criteria: Ambry Variant Classification Scheme 2023. Collection method: clinical testing. Allele origin: germline.

NM_005070.4(SLC4A3):c.1933G>A (p.Glu645Lys)

Gene: SLC4A3 (solute carrier family 4 member 3; plus strand). Cytogenetic location: 2q35.
Variant type: single nucleotide variant.
Coding change: c.1933G>A on transcript NM_005070.4 (MANE Select); coding-DNA position 1933, G replaced by A.
Protein change: p.Glu645Lys; replaces glutamic acid 645 with lysine.
Molecular consequence: missense variant. On other transcripts: non-coding transcript variant (1).
Genome position (GRCh38, 1-based): chr2:219,635,457, G>A. VCF-style: chr2-219635457-G-A. GRCh37 (hg19) VCF-style: chr2-220500179-G-A.
Other names: c.2014G>A, p.Glu672Lys (NM_001326559.2, NM_201574.3); short protein forms E645K, E672K.
Identifiers: ClinVar variation 2354653 (VCV002354653.3), dbSNP rs781271998, ClinGen allele CA2134065.